The following is an entry in ClinVar:

NM_001244710.2(GFPT1):c.50G>A (p.Arg17Gln)

Gene: GFPT1 (glutamine--fructose-6-phosphate transaminase 1; minus strand). Cytogenetic location: 2p13.3.
Variant type: single nucleotide variant.
Coding change: c.50G>A on transcript NM_001244710.2 (MANE Select); coding-DNA position 50, G replaced by A.
Protein change: p.Arg17Gln; replaces arginine 17 with glutamine.
Molecular consequence: missense variant.
Genome position (GRCh38, 1-based): chr2:69,374,071, C>T on the plus strand (G>A on the coding strand, the complement: GFPT1 is on the minus strand). VCF-style: chr2-69374071-C-T. GRCh37 (hg19) VCF-style: chr2-69601203-C-T.
Other names: c.50G>A, p.Arg17Gln (NM_002056.4); short protein forms R17Q.
Identifiers: ClinVar variation 617540 (VCV000617540.9), dbSNP rs775399768, ClinGen allele CA1693992.
Genomic context (GRCh38, chr2:69,374,071, plus strand): 5'-GAATCATATCCTCTGTACTCCAGTCTCTGAAGGCCTTTGATTAGGGTCTCCAGGATTTCT[C>T]GTCTCGTTCGAGGAACATGGTAGTTTAAGTAAGCAAATATACCTGCAAATAAACAAATAT-3'
Protein context (NP_001231639.1, residues 7-27): YLNYHVPRTR[Arg17Gln]EILETLIKGL

ClinVar aggregate classification (germline): Conflicting classifications of pathogenicity. Review status: criteria provided, conflicting classifications (1 of 4 stars). 3 submissions from 3 submitters: Likely pathogenic (1); Uncertain significance (2). Last evaluated 2025-03-25.

Conditions:
Congenital myasthenic syndrome 12 (CMS12). Also called: MYASTHENIC SYNDROME, CONGENITAL, WITH TUBULAR AGGREGATES 1; Myasthenia, congenital, 12, with tubular aggregates. Identifiers: Orphanet 353327, Orphanet 590, MedGen C3552335, MONDO:0012518, OMIM 610542.

Allele frequency attached by ClinVar (database versions not stated): gnomAD exomes below 0.00001; ExAC 0.00001.
gnomAD v4.1: 1 of 1,598,910 alleles (0.000063%); highest among the groups gnomAD compares: Non-Finnish European, 0.000086%; no homozygotes.

Submissions (3):

Women's Health and Genetics/Laboratory Corporation of America, LabCorp
Classification: Uncertain significance. Last evaluated: 2025-03-25. Review status: criteria provided, single submitter. Criteria: LabCorp Variant Classification Summary - May 2015. Collection method: clinical testing. Allele origin: germline.
Comment: Variant summary: GFPT1 c.50G>A (p.Arg17Gln) results in a conservative amino acid change located in the Glutamine amidotransferase type 2 domain (IPR017932) of the encoded protein sequence. Four of five in-silico tools predict a benign effect of the variant on protein function. The variant allele was found at a frequency of 4e-06 in 251264 control chromosomes. The available data on variant occurrences in the general population are insufficient to allow any conclusion about variant significance.c.50G>A has been reported in the literature as a presumed compound heterozygous genotype in at-least one individual affected with Congenital Myasthenic Syndrome who underwent clinical exome sequencing (example, Borklu-Yucel_2020). These data do not allow any conclusion about variant significance. To our knowledge, no experimental evidence demonstrating an impact on protein function has been reported. The following publication has been ascertained in the context of this evaluation (PMID: 32140910). ClinVar contains an entry for this variant (Variation ID: 617540). Based on the evidence outlined above, the variant was classified as uncertain significance.

Labcorp Genetics (formerly Invitae), Labcorp
Classification: Uncertain significance for Congenital myasthenic syndrome 12. Last evaluated: 2021-07-28. Review status: criteria provided, single submitter. Criteria: Invitae Variant Classification Sherloc (09022015). Collection method: clinical testing. Allele origin: germline.
Comment: In summary, the available evidence is currently insufficient to determine the role of this variant in disease. Therefore, it has been classified as a Variant of Uncertain Significance. Algorithms developed to predict the effect of missense changes on protein structure and function (SIFT, PolyPhen-2, Align-GVGD) all suggest that this variant is likely to be tolerated. ClinVar contains an entry for this variant (Variation ID: 617540). This variant has not been reported in the literature in individuals affected with GFPT1-related conditions. This variant is present in population databases (rs775399768, ExAC 0.002%). This sequence change replaces arginine with glutamine at codon 17 of the GFPT1 protein (p.Arg17Gln). The arginine residue is moderately conserved and there is a small physicochemical difference between arginine and glutamine.

Genetic Diseases Diagnostic Center, Koc University Hospital
Classification: Likely pathogenic for Congenital myasthenic syndrome 12. Last evaluated: 2018-12-18. Review status: criteria provided, single submitter. Criteria: ACMG Guidelines, 2015. Collection method: clinical testing. Allele origin: germline. Inheritance: Autosomal recessive inheritance. Affected: yes.

Literature cited by the submitters: PubMed 32140910 (cited by Women's Health and Genetics/Laboratory Corporation of America, LabCorp).